The following is an entry in ClinVar:

NM_020163.3(SEMA3G):c.1576G>A (p.Gly526Ser)

Gene: SEMA3G (semaphorin 3G; minus strand). Cytogenetic location: 3p21.1.
Variant type: single nucleotide variant.
Coding change: c.1576G>A on transcript NM_020163.3 (MANE Select); coding-DNA position 1576, G replaced by A.
Protein change: p.Gly526Ser; replaces glycine 526 with serine.
Molecular consequence: missense variant.
Genome position (GRCh38, 1-based): chr3:52,438,133, C>T on the plus strand (G>A on the coding strand, the complement: SEMA3G is on the minus strand). VCF-style: chr3-52438133-C-T. GRCh37 (hg19) VCF-style: chr3-52472149-C-T.
Other names: short protein forms G526S.
Identifiers: ClinVar variation 3357399 (VCV003357399.1).

ClinVar aggregate classification (germline): Uncertain significance (0 of 4 stars; one submission).

Conditions:
SEMA3G-related disorder. Also called: SEMA3G-related condition.

gnomAD v4.1: 27 of 1,613,124 alleles (0.0017%); highest among the groups gnomAD compares: Non-Finnish European, 0.0021%; no homozygotes.

Submission:

PreventionGenetics, part of Exact Sciences
Classification: Uncertain significance for SEMA3G-related condition. Last evaluated: 2024-05-13. Review status: no assertion criteria provided. Collection method: clinical testing. Allele origin: germline.
Comment: The SEMA3G c.1576G>A variant is predicted to result in the amino acid substitution p.Gly526Ser. To our knowledge, this variant has not been reported in the literature. This variant is reported in 0.0040% of alleles in individuals of African descent in gnomAD. At this time, the clinical significance of this variant is uncertain due to the absence of conclusive functional and genetic evidence.